The following is an entry in ClinVar:

NM_024809.5(TCTN2):c.1336C>T (p.Arg446Ter)

Gene: TCTN2 (tectonic family member 2; plus strand). Cytogenetic location: 12q24.31.
Variant type: single nucleotide variant.
Coding change: c.1336C>T on transcript NM_024809.5 (MANE Select); coding-DNA position 1336, C replaced by T.
Protein change: p.Arg446Ter; replaces arginine 446 with a stop codon.
Molecular consequence: nonsense.
Genome position (GRCh38, 1-based): chr12:123,696,438, C>T. VCF-style: chr12-123696438-C-T. GRCh37 (hg19) VCF-style: chr12-124180985-C-T.
Other names: c.1333C>T, p.Arg445Ter (NM_001143850.3); short protein forms R445*, R446*.
Identifiers: ClinVar variation 1207911 (VCV001207911.10), dbSNP rs757485757, ClinGen allele CA6861181.
Genomic context (GRCh38, chr12:123,696,438, plus strand): 5'-GGAAACAGGCTCACGTTCCTTTGTTGTGTTTGTCTAGGTTACCAACTTGGCAAGCCTGTC[C>T]GAGCTCTAAATATCAACAGGATGAATAATGTCACGACTTTACATCTTTGGCAATCGGGTA-3'

ClinVar aggregate classification (germline): Pathogenic/Likely pathogenic. Review status: criteria provided, multiple submitters, no conflicts (2 of 4 stars). 4 submissions from 4 submitters: Pathogenic (2); Likely pathogenic (2). Last evaluated 2025-09-10.

Conditions:
TCTN2-related disorder. Also called: TCTN2-related disorders; TCTN2-related condition. Identifiers: MedGen CN239412.
Joubert syndrome 24 (JBTS24). Identifiers: Orphanet 475, MedGen C4084841, MONDO:0014724, OMIM 616654.
Meckel-Gruber syndrome. Also called: Dysencephalia splachnocystica; DYSENCEPHALIA SPLANCHNOCYSTICA; GRUBER SYNDROME. Identifiers: Orphanet 564, MedGen C0265215, MONDO:0018921.
Joubert syndrome. Also called: JOUBERT-BOLTSHAUSER SYNDROME; Familial aplasia of the vermis. Identifiers: Orphanet 475, MedGen C5979921, MONDO:0018772.

Allele frequency attached by ClinVar (database versions not stated): ExAC 0.00001; gnomAD 0.00001 and 0.00002; gnomAD exomes 0.00001; TOPMed 0.00002.
gnomAD v4.1: 9 of 1,613,994 alleles (0.00056%); highest among the groups gnomAD compares: African/African-American, 0.004%; no homozygotes.

Submissions (4):

Genomic Medicine Center of Excellence, King Faisal Specialist Hospital and Research Centre
Classification: Pathogenic for Joubert syndrome 24. Last evaluated: 2025-09-10. Review status: criteria provided, single submitter. Criteria: ACMG Guidelines, 2015. Collection method: clinical testing. Allele origin: germline.

Blueprint Genetics
Classification: Likely pathogenic for TCTN2-related disorders. Last evaluated: 2024-10-23. Review status: criteria provided, single submitter. Criteria: ACMG Guidelines, 2015. Collection method: clinical testing. Allele origin: germline. Affected: yes. Observed: 3 variant alleles.

Labcorp Genetics (formerly Invitae), Labcorp
Classification: Pathogenic for Joubert syndrome; Meckel-Gruber syndrome. Last evaluated: 2023-04-22. Review status: criteria provided, single submitter. Criteria: Invitae Variant Classification Sherloc (09022015). Collection method: clinical testing. Allele origin: germline.
Comment: This sequence change creates a premature translational stop signal (p.Arg446*) in the TCTN2 gene. It is expected to result in an absent or disrupted protein product. Loss-of-function variants in TCTN2 are known to be pathogenic (PMID: 21565611). This variant is present in population databases (rs757485757, gnomAD 0.006%). This variant has not been reported in the literature in individuals affected with TCTN2-related conditions. ClinVar contains an entry for this variant (Variation ID: 1207911). For these reasons, this variant has been classified as Pathogenic.

GeneDx
Classification: Likely pathogenic. Last evaluated: 2021-06-21. Review status: criteria provided, single submitter. Criteria: GeneDx Variant Classification Process June 2021. Collection method: clinical testing. Allele origin: germline. Affected: yes.
Comment: Nonsense variant predicted to result in protein truncation or nonsense mediated decay in a gene for which loss-of-function is a known mechanism of disease; Not observed at significant frequency in large population cohorts (Lek et al., 2016); Has not been previously published as pathogenic or benign to our knowledge; This variant is associated with the following publications: (PMID: 27535533)

Literature cited by the submitters: PubMed 21565611 (cited by Labcorp Genetics (formerly Invitae), Labcorp).